The following is an entry in ClinVar:

NM_001429.4(EP300):c.4277A>G (p.Lys1426Arg)

Gene: EP300 (EP300 lysine acetyltransferase; plus strand). Cytogenetic location: 22q13.2.
Variant type: single nucleotide variant.
Coding change: c.4277A>G on transcript NM_001429.4 (MANE Select); coding-DNA position 4277, A replaced by G.
Protein change: p.Lys1426Arg; replaces lysine 1426 with arginine.
Molecular consequence: missense variant.
Genome position (GRCh38, 1-based): chr22:41,169,607, A>G. VCF-style: chr22-41169607-A-G. GRCh37 (hg19) VCF-style: chr22-41565611-A-G.
Other names: c.4199A>G, p.Lys1400Arg (NM_001362843.2); short protein forms K1426R, K1400R.
Identifiers: ClinVar variation 4984963 (VCV004984963.1).

ClinVar aggregate classification (germline): Uncertain significance (1 of 4 stars; one submission).

Conditions:
EP300-related disorder. Also called: EP300-related condition; EP300-related disorders.

Submission:

PreventionGenetics, part of Exact Sciences
Classification: Uncertain significance for EP300-related condition. Last evaluated: 2026-07-21. Review status: criteria provided, single submitter. Criteria: ACMG Guidelines, 2015. Collection method: clinical testing. Allele origin: germline.
Comment: The EP300 c.4277A>G variant is predicted to result in the amino acid substitution p.Lys1426Arg. To our knowledge, this variant has not been reported in the literature or in a large population database (gnomAD), indicating this variant is rare. At this time, the clinical significance of this variant is uncertain due to the absence of conclusive functional and genetic evidence.